The following is an entry in ClinVar:

NM_001042492.3(NF1):c.4430+4A>C

Gene: NF1 (neurofibromin 1; plus strand). Cytogenetic location: 17q11.2.
Variant type: single nucleotide variant.
Coding change: c.4430+4A>C on transcript NM_001042492.3 (MANE Select); 4 bases into the intron after coding-DNA position 4430, A replaced by C.
Molecular consequence: intron variant.
Genome position (GRCh38, 1-based): chr17:31,259,133, A>C. VCF-style: chr17-31259133-A-C. GRCh37 (hg19) VCF-style: chr17-29586151-A-C.
Other names: c.4367+4A>C (NM_000267.4).
Identifiers: ClinVar variation 2845341 (VCV002845341.3), dbSNP rs2508414426, ClinGen allele CA2739267397.
Genomic context (GRCh38, chr17:31,259,133, plus strand): 5'-AGAACATATGCGGCCTTTCAATGATTTTGTGAAAAGCAACTTTGATGCAGCACGCAGGTA[A>C]TTTTCTTGCCACTTACTCAGTTGCTCTGTTTGAATCAAATATTTTCGGTTTCACATAAAT-3'

ClinVar aggregate classification (germline): Uncertain significance (1 of 4 stars; one submission).

Conditions:
Neurofibromatosis, type 1 (NF1). Also called: Neurofibromatosis, type I; VON RECKLINGHAUSEN DISEASE; NEUROFIBROMATOSIS, TYPE I, SOMATIC; Peripheral type neurofibromatosis. Identifiers: Orphanet 636, MedGen C0027831, MONDO:0018975, OMIM 162200. Disease mechanism: loss of function.

Submission:

Labcorp Genetics (formerly Invitae), Labcorp
Classification: Uncertain significance for Neurofibromatosis, type 1. Last evaluated: 2023-03-13. Review status: criteria provided, single submitter. Criteria: Invitae Variant Classification Sherloc (09022015). Collection method: clinical testing. Allele origin: germline.
Comment: This sequence change falls in intron 32 of the NF1 gene. It does not directly change the encoded amino acid sequence of the NF1 protein. It affects a nucleotide within the consensus splice site. This variant is not present in population databases (gnomAD no frequency). This variant has not been reported in the literature in individuals affected with NF1-related conditions. Variants that disrupt the consensus splice site are a relatively common cause of aberrant splicing (PMID: 17576681, 9536098). Algorithms developed to predict the effect of sequence changes on RNA splicing suggest that this variant is not likely to affect RNA splicing. In summary, the available evidence is currently insufficient to determine the role of this variant in disease. Therefore, it has been classified as a Variant of Uncertain Significance.

Literature cited by the submitters: PubMed 17576681; PubMed 9536098.